The following is an entry in ClinVar:

NM_000147.5(FUCA1):c.1174G>A (p.Gly392Arg)

Gene: FUCA1 (alpha-L-fucosidase 1; minus strand). Cytogenetic location: 1p36.11.
Variant type: single nucleotide variant.
Coding change: c.1174G>A on transcript NM_000147.5 (MANE Select); coding-DNA position 1174, G replaced by A.
Protein change: p.Gly392Arg; replaces glycine 392 with arginine.
Molecular consequence: missense variant.
Genome position (GRCh38, 1-based): chr1:23,846,160, C>T on the plus strand (G>A on the coding strand, the complement: FUCA1 is on the minus strand). VCF-style: chr1-23846160-C-T. GRCh37 (hg19) VCF-style: chr1-24172650-C-T.
Other names: short protein forms G392R.
Identifiers: ClinVar variation 1433049 (VCV001433049.6), dbSNP rs1639135764, ClinGen allele CA339034815.
Genomic context (GRCh38, chr1:23,846,160, plus strand): 5'-ATTCAAGGTTTAAGACTCCATTTTCTGGCCAGTGCAGAAAAATGGCATAAACAGCCGATC[C>T]CTTTGAGGTATACCTGGGAAAACAGAAACAACACTGTCAAAGATACCTGACTTGTTATCC-3'
Protein context (NP_000138.2, residues 382-402): NTTSVWYTSK[Gly392Arg]SAVYAIFLHW

ClinVar aggregate classification (germline): Uncertain significance (1 of 4 stars; one submission).

Conditions:
Fucosidosis. Also called: ALPHA-L-FUCOSIDASE DEFICIENCY. Identifiers: Orphanet 349, MedGen C0016788, MONDO:0009254, OMIM 230000.

Submission:

Labcorp Genetics (formerly Invitae), Labcorp
Classification: Uncertain significance for Fucosidosis. Last evaluated: 2022-07-06. Review status: criteria provided, single submitter. Criteria: Invitae Variant Classification Sherloc (09022015). Collection method: clinical testing. Allele origin: germline.
Comment: This variant has not been reported in the literature in individuals affected with FUCA1-related conditions. In summary, the available evidence is currently insufficient to determine the role of this variant in disease. Therefore, it has been classified as a Variant of Uncertain Significance. Algorithms developed to predict the effect of missense changes on protein structure and function (SIFT, PolyPhen-2, Align-GVGD) all suggest that this variant is likely to be tolerated. ClinVar contains an entry for this variant (Variation ID: 1433049). This variant is not present in population databases (gnomAD no frequency). This sequence change replaces glycine, which is neutral and non-polar, with arginine, which is basic and polar, at codon 392 of the FUCA1 protein (p.Gly392Arg).